The following is an entry in ClinVar:

NC_000019.10:g.(?_10718233)_(10759821_?)dup

Gene: DNM2 (dynamin 2; plus strand). Cytogenetic location: 19p13.2.
Variant type: Duplication.
Identifiers: ClinVar variation 832799 (VCV000832799.2).

ClinVar aggregate classification (germline): Uncertain significance (1 of 4 stars; one submission).

Conditions:
Charcot-Marie-Tooth disease dominant intermediate B (CMTDIB). Also called: CHARCOT-MARIE-TOOTH NEUROPATHY, DOMINANT INTERMEDIATE B; Charcot-Marie-Tooth disease dominant intermediate 1; CMT DI1; Charcot-Marie-Tooth disease dominant intermediate I. Identifiers: Orphanet 100044, Orphanet 228179, MedGen C1847902, MONDO:0011674, OMIM 606482.

Submission:

Labcorp Genetics (formerly Invitae), Labcorp
Classification: Uncertain significance for Charcot-Marie-Tooth disease, dominant intermediate B. Last evaluated: 2019-06-04. Review status: criteria provided, single submitter. Criteria: Invitae Variant Classification Sherloc (09022015). Collection method: clinical testing. Allele origin: germline.
Comment: This variant is a gross duplication of the genomic region encompassing exons 1-2 of the DNM2 gene. The 5' end of this event is unknown as it extends beyond the assayed region for this gene and therefore may encompass additional genes. The 3' boundary is likely confined to intron 2 of the DNM2 gene. The exact location of this variant in the genome is unknown. This variant has not been reported in the literature in individuals with DNM2-related disease. In summary, the available evidence is currently insufficient to determine the role of this variant in disease. Therefore, it has been classified as a Variant of Uncertain Significance.